The following is an entry in ClinVar:

ClinVar aggregate classification (germline): Likely benign (1 of 4 stars; one submission).

Conditions:
AHI1-related disorder. Also called: AHI1-related condition.

gnomAD v4.1: 1 of 1,613,766 alleles (0.000062%); highest among the groups gnomAD compares: African/African-American, 0.0013%; no homozygotes.

Submission:

PreventionGenetics, part of Exact Sciences
Classification: Likely benign for AHI1-related condition. Last evaluated: 2025-04-29. Review status: criteria provided, single submitter. Criteria: ACMG Guidelines, 2015. Collection method: clinical testing. Allele origin: germline.
Comment: This variant is classified as likely benign based on ACMG/AMP sequence variant interpretation guidelines (Richards et al. 2015 PMID: 25741868, with internal and published modifications).

NM_001134831.2(AHI1):c.213T>G (p.Leu71=)

Gene: AHI1 (Abelson helper integration site 1; minus strand). Cytogenetic location: 6q23.3.
Variant type: single nucleotide variant.
Coding change: c.213T>G on transcript NM_001134831.2 (MANE Select); coding-DNA position 213, T replaced by G.
Protein change: p.Leu71=; no amino-acid change (leucine 71 retained).
Molecular consequence: synonymous variant.
Genome position (GRCh38, 1-based): chr6:135,466,350, A>C on the plus strand (T>G on the coding strand, the complement: AHI1 is on the minus strand). VCF-style: chr6-135466350-A-C. GRCh37 (hg19) VCF-style: chr6-135787488-A-C.
Other names: c.213T>G, p.Leu71= (NM_001134830.2, NM_001134832.2, NM_001350503.2 and 2 more transcripts).
Identifiers: ClinVar variation 4985361 (VCV004985361.1).
Genomic context (GRCh38, chr6:135,466,350, plus strand): 5'-CTTCAGGTTGTTAGTGTTAGCAGCACTTACATCATCACTTGTAGTTTCTTTAATATGGGG[A>C]AGATTGCTTCTAATAGTGTCGGGCTAGGAAAAGAAGACATGATAACAAAGTTTCAGTTAC-3'
Protein context (NP_001128303.1, residues 61-81): SDDPDTIRSN[Leu71=]PHIKETTSDD